The following is an entry in ClinVar:

ClinVar aggregate classification (germline): Uncertain significance (1 of 4 stars; one submission).

Conditions:
Alstrom syndrome (ALMS). Identifiers: Orphanet 64, MedGen C0268425, MONDO:0008763, OMIM 203800.

Allele frequency attached by ClinVar (database versions not stated): gnomAD exomes below 0.00001.

Submission:

Labcorp Genetics (formerly Invitae), Labcorp
Classification: Uncertain significance for Alstrom syndrome. Last evaluated: 2022-07-29. Review status: criteria provided, single submitter. Criteria: Invitae Variant Classification Sherloc (09022015). Collection method: clinical testing. Allele origin: germline.
Comment: In summary, the available evidence is currently insufficient to determine the role of this variant in disease. Therefore, it has been classified as a Variant of Uncertain Significance. Experimental studies and prediction algorithms are not available or were not evaluated, and the functional significance of this variant is currently unknown. This variant has not been reported in the literature in individuals affected with ALMS1-related conditions. This variant is not present in population databases (gnomAD no frequency). This sequence change replaces histidine, which is basic and polar, with arginine, which is basic and polar, at codon 2900 of the ALMS1 protein (p.His2900Arg).

NM_001378454.1(ALMS1):c.8696A>G (p.His2899Arg)

Gene: ALMS1 (ALMS1 centrosome and basal body associated protein; plus strand). Cytogenetic location: 2p13.1.
Variant type: single nucleotide variant.
Coding change: c.8696A>G on transcript NM_001378454.1 (MANE Select); coding-DNA position 8696, A replaced by G.
Protein change: p.His2899Arg; replaces histidine 2899 with arginine.
Molecular consequence: missense variant.
Genome position (GRCh38, 1-based): chr2:73,490,655, A>G. VCF-style: chr2-73490655-A-G. GRCh37 (hg19) VCF-style: chr2-73717782-A-G.
Other names: c.8699A>G, p.His2900Arg (NM_015120.4); short protein forms H2899R, H2900R.
Identifiers: ClinVar variation 1714101 (VCV001714101.3), dbSNP rs2466217093, ClinGen allele CA347270130.